The following is an entry in ClinVar:

ClinVar aggregate classification (germline): Likely benign (1 of 4 stars; one submission).

Conditions:
DCDC2-related disorder. Also called: DCDC2-related condition.

gnomAD v4.1: 1 of 1,614,182 alleles (0.000062%); no homozygotes.

Submission:

PreventionGenetics, part of Exact Sciences
Classification: Likely benign for DCDC2-related condition. Last evaluated: 2026-01-07. Review status: criteria provided, single submitter. Criteria: ACMG Guidelines, 2015. Collection method: clinical testing. Allele origin: germline.
Comment: This variant is classified as likely benign based on ACMG/AMP sequence variant interpretation guidelines (Richards et al. 2015 PMID: 25741868, with internal and published modifications).

NM_016356.5(DCDC2):c.1197A>G (p.Ala399=)

Gene: DCDC2 (doublecortin domain containing 2; minus strand). Cytogenetic location: 6p22.3.
Variant type: single nucleotide variant.
Coding change: c.1197A>G on transcript NM_016356.5 (MANE Select); coding-DNA position 1197, A replaced by G.
Protein change: p.Ala399=; no amino-acid change (alanine 399 retained).
Molecular consequence: synonymous variant.
Genome position (GRCh38, 1-based): chr6:24,178,459, T>C on the plus strand (A>G on the coding strand, the complement: DCDC2 is on the minus strand). VCF-style: chr6-24178459-T-C. GRCh37 (hg19) VCF-style: chr6-24178687-T-C.
Other names: c.1197A>G, p.Ala399= (NM_001195610.2).
Identifiers: ClinVar variation 4988014 (VCV004988014.1).